The following is an entry in ClinVar:

NM_001039958.2(MESP2):c.626G>A (p.Gly209Asp)

Gene: MESP2 (mesoderm posterior bHLH transcription factor 2; plus strand). Cytogenetic location: 15q26.1.
Variant type: single nucleotide variant.
Coding change: c.626G>A on transcript NM_001039958.2 (MANE Select); coding-DNA position 626, G replaced by A.
Protein change: p.Gly209Asp; replaces glycine 209 with aspartic acid.
Molecular consequence: missense variant.
Genome position (GRCh38, 1-based): chr15:89,776,983, G>A. VCF-style: chr15-89776983-G-A. GRCh37 (hg19) VCF-style: chr15-90320214-G-A.
Other names: short protein forms G209D.
Identifiers: ClinVar variation 5003814 (VCV005003814.1).

ClinVar aggregate classification (germline): Uncertain significance (1 of 4 stars; one submission).

Conditions:
Spondylocostal dysostosis 2, autosomal recessive (SCDO2). Also called: Spondylocostal dysostosis type 2; MESP2-Related Spondylocostal Dysostosis, Autosomal Recessive. Identifiers: Orphanet 2311, MedGen C1837549, MONDO:0012097, OMIM 608681.

Submission:

Myriad Genetics, Inc.
Classification: Uncertain significance for Spondylocostal dysostosis 2, autosomal recessive. Last evaluated: 2025-09-22. Review status: criteria provided, single submitter. Criteria: Myriad Autosomal Dominant, Autosomal Recessive and X-Linked Classification Criteria (2023). Collection method: clinical testing. Allele origin: unknown.
Comment: NM_001039958.1(MESP2):c.626G>A(G209D) is a missense variant classified as a variant of uncertain significance in the context of spondylothoracic dysostosis. G209D has not been observed in cases with relevant disease. Relevant functional assessments of this variant are not available in the literature. G209D has not been observed in referenced population frequency databases. In summary, there is insufficient evidence to classify NM_001039958.1(MESP2):c.626G>A(G209D) as pathogenic or benign. Please note: this variant was assessed in the context of healthy population screening.